The following is an entry in ClinVar:

NM_001378454.1(ALMS1):c.8281_8283delinsACT (p.Pro2761Thr)

Gene: ALMS1 (ALMS1 centrosome and basal body associated protein; plus strand). Cytogenetic location: 2p13.1.
Variant type: Indel.
Coding change: c.8281_8283delinsACT on transcript NM_001378454.1 (MANE Select); coding-DNA positions 8281 to 8283, CCC replaced by ACT.
Protein change: p.Pro2761Thr; replaces proline 2761 with threonine.
Molecular consequence: missense variant.
Genome position (GRCh38, 1-based): chr2:73,490,240-73,490,242, CCC replaced by ACT. VCF-style: chr2-73490240-CCC-ACT. GRCh37 (hg19) VCF-style: chr2-73717367-CCC-ACT.
Other names: c.8284_8286delinsACT, p.Pro2762Thr (NM_015120.4); c.8284_8286delCCCinsACT (NM_015120.4); short protein forms P2761T, P2762T.
Identifiers: ClinVar variation 1762741 (VCV001762741.2), dbSNP rs2466215164, ClinGen allele CA2580068250.

ClinVar aggregate classification (germline): Uncertain significance (1 of 4 stars; one submission).

Conditions:
Cardiovascular phenotype. Identifiers: MedGen CN230736.

Submission:

Ambry Genetics
Classification: Uncertain significance for Cardiovascular phenotype. Last evaluated: 2021-01-05. Review status: criteria provided, single submitter. Criteria: Ambry Variant Classification Scheme 2023. Collection method: clinical testing. Allele origin: germline.
Comment: The c.8284_8286delCCCinsACT variant (also known as p.P2762T), located in coding exon 10 of the ALMS1 gene, results from an in-frame deletion of CCC and insertion of ACT at nucleotide positions 8284 to 8286. This results in the substitution of the proline residue for a threonine residue at codon 2762, an amino acid with highly similar properties. This amino acid position is not well conserved in available vertebrate species, and threonine is the reference amino acid in other vertebrate species. In addition, the in silico prediction for this alteration is inconclusive (Choi Y et al. PLoS ONE. 2012; 7(10):e46688). Since supporting evidence is limited at this time, the clinical significance of this alteration remains unclear.